The following is an entry in ClinVar:

ClinVar aggregate classification (germline): Uncertain significance (1 of 4 stars; one submission).

Submission:

GeneDx
Classification: Uncertain significance. Last evaluated: 2023-12-08. Review status: criteria provided, single submitter. Criteria: GeneDx Variant Classification Process June 2021. Collection method: clinical testing. Allele origin: germline. Affected: yes.
Comment: Not observed at significant frequency in large population cohorts (gnomAD); In silico analysis supports that this missense variant does not alter protein structure/function; Has not been previously published as pathogenic or benign to our knowledge

NM_006206.6(PDGFRA):c.2083A>G (p.Ser695Gly)

Gene: PDGFRA (platelet derived growth factor receptor alpha; plus strand). Cytogenetic location: 4q12.
Variant type: single nucleotide variant.
Coding change: c.2083A>G on transcript NM_006206.6 (MANE Select); coding-DNA position 2083, A replaced by G.
Protein change: p.Ser695Gly; replaces serine 695 with glycine.
Molecular consequence: missense variant.
Genome position (GRCh38, 1-based): chr4:54,278,442, A>G. VCF-style: chr4-54278442-A-G. GRCh37 (hg19) VCF-style: chr4-55144609-A-G.
Other names: c.2083A>G, p.Ser695Gly (NM_001347827.2, NM_001347829.2); c.2158A>G, p.Ser720Gly (NM_001347828.2); c.2122A>G, p.Ser708Gly (NM_001347830.2); short protein forms S695G, S708G, S720G.
Identifiers: ClinVar variation 3253094 (VCV003253094.1), dbSNP rs2110315942.